The following is an entry in ClinVar:

ClinVar aggregate classification (germline): Pathogenic. Review status: criteria provided, single submitter (1 of 4 stars). 3 submissions from 1 submitter: Pathogenic (1). 2 of the submissions do not count toward it. Last evaluated 2020-10-25.

Conditions:
Developmental and epileptic encephalopathy. Identifiers: MedGen C5779964, MONDO:0100620.
Familial sleep-related hypermotor epilepsy. Also called: Autosomal Dominant Sleep-Related Hypermotor (Hyperkinetic) Epilepsy. Identifiers: Orphanet 98784, MedGen C3696898, MONDO:0000030.
Developmental and epileptic encephalopathy, 33 (DEE33). Also called: Epileptic encephalopathy, early infantile, 33. Identifiers: Orphanet 442835, MedGen C4225337, MONDO:0014625, OMIM 616409.

Submissions (3):

Labcorp Genetics (formerly Invitae), Labcorp
Classification: Pathogenic for Early-infantile DEE. Last evaluated: 2020-10-25. Review status: criteria provided, single submitter. Criteria: Invitae Variant Classification Sherloc (09022015). Collection method: clinical testing. Allele origin: germline.
Comment: A gross deletion of the genomic region encompassing the full coding sequence of the KCNQ2 gene has been identified. The boundaries of this event are unknown as the deletion extends beyond the assayed region for this gene and therefore may encompass additional genes. Isolated whole-gene deletions of KCNQ2 have not been reported in the literature. However, larger copy number events that include this gene have been reported in individuals affected with epilepsy and benign neonatal seizures (PMID: 24811917, 23360469, 19822871). Loss-of-function variants in KCNQ2 are known to be pathogenic (PMID: 14534157, 23692823, 25951140, 25959266, 26758118, 27779742). For these reasons, this variant has been classified as Pathogenic.

Labcorp Genetics (formerly Invitae), Labcorp
Classification: Uncertain significance for Developmental and epileptic encephalopathy, 33. Last evaluated: 2020-10-25. Review status: flagged submission. Criteria: Invitae Variant Classification Sherloc (09022015). Collection method: clinical testing. Allele origin: germline. Not counted in ClinVar's aggregate classification.
Comment: A gross deletion of the genomic region encompassing the full coding sequence of the EEF1A2 gene has been identified. The boundaries of this event are unknown as the deletion extends beyond the assayed region for this gene and therefore may encompass additional genes. Isolated whole-gene deletions of EEF1A2 have not been reported in the literature. However, larger copy number events that include this gene have been reported (PMID: 17290276, 20805988, 26030193, 23166088). The current clinical and genetic evidence is not sufficient to establish whether loss-of-function variants in EEF1A2 cause disease. In summary, the available evidence is currently insufficient to determine the role of this variant in disease. Therefore, it has been classified as a Variant of Uncertain Significance.
ClinVar note: Reason: Other

Labcorp Genetics (formerly Invitae), Labcorp
Classification: Uncertain significance. Last evaluated: 2019-06-27. Review status: flagged submission. Criteria: Invitae Variant Classification Sherloc (09022015). Collection method: clinical testing. Allele origin: germline. Not counted in ClinVar's aggregate classification.
Comment: A gross deletion of the genomic region encompassing the full coding sequence of the CHRNA4 gene has been identified. The boundaries of this event are unknown as the deletion extends beyond the assayed region for this gene and therefore may encompass additional genes. This variant has not been reported in the literature in individuals with CHRNA4-related disease. The current clinical and genetic evidence is not sufficient to establish whether loss-of-function variants in CHRNA4 cause disease. In summary, the available evidence is currently insufficient to determine the role of this variant in disease. Therefore, it has been classified as a Variant of Uncertain Significance.
ClinVar note: Reason: Other

Literature cited by the submitters: PubMed 24811917; PubMed 23360469; PubMed 19822871; PubMed 14534157; PubMed 23692823; PubMed 25951140; PubMed 25959266; PubMed 26758118; PubMed 27779742; PubMed 17290276; PubMed 20805988; PubMed 26030193; PubMed 23166088.

NC_000020.10:g.(?_61977556)_(62159505_?)del

Genes: CHRNA4 (cholinergic receptor nicotinic alpha 4 subunit; minus strand), EEF1A2 (eukaryotic translation elongation factor 1 alpha 2; minus strand), KCNQ2 (potassium voltage-gated channel subfamily Q member 2; minus strand), PPDPF (pancreatic progenitor cell differentiation and proliferation factor; plus strand). Cytogenetic location: 20q13.33.
Variant type: Deletion.
Identifiers: ClinVar variation 476031 (VCV000476031.7).